The following is an entry in ClinVar:

ClinVar aggregate classification (germline): Uncertain significance (1 of 4 stars; one submission).

Submission:

GeneDx
Classification: Uncertain significance. Last evaluated: 2025-02-27. Review status: criteria provided, single submitter. Criteria: GeneDx Variant Classification Process June 2021. Collection method: clinical testing. Allele origin: germline. Affected: yes.
Comment: Not observed at significant frequency in large population cohorts (gnomAD); In silico analysis supports that this missense variant has a deleterious effect on protein structure/function; Has not been previously published as pathogenic or benign to our knowledge

NM_018082.6(POLR3B):c.188A>T (p.Glu63Val)

Gene: POLR3B (RNA polymerase III subunit B; plus strand). Cytogenetic location: 12q23.3.
Variant type: single nucleotide variant.
Coding change: c.188A>T on transcript NM_018082.6 (MANE Select); coding-DNA position 188, A replaced by T.
Protein change: p.Glu63Val; replaces glutamic acid 63 with valine.
Molecular consequence: missense variant.
Genome position (GRCh38, 1-based): chr12:106,366,683, A>T. VCF-style: chr12-106366683-A-T. GRCh37 (hg19) VCF-style: chr12-106760461-A-T.
Other names: c.14A>T, p.Glu5Val (NM_001160708.2); short protein forms E5V, E63V.
Identifiers: ClinVar variation 4077330 (VCV004077330.1).